The following is an entry in ClinVar:

ClinVar aggregate classification (germline): Uncertain significance (1 of 4 stars; one submission).

Conditions:
Duchenne muscular dystrophy (DMD). Also called: MUSCULAR DYSTROPHY, PSEUDOHYPERTROPHIC PROGRESSIVE, DUCHENNE TYPE; Duchenne Muscular Dystrophy (DMD). Identifiers: Orphanet 98896, MedGen C0013264, MONDO:0010679, OMIM 310200.

Allele frequency attached by ClinVar (database versions not stated): TOPMed below 0.00001.
gnomAD v4.1: 2 of 1,211,581 alleles (0.00017%); highest among the groups gnomAD compares: Admixed American, 0.0022%; no homozygotes.

Submission:

Labcorp Genetics (formerly Invitae), Labcorp
Classification: Uncertain significance for Duchenne muscular dystrophy. Last evaluated: 2022-09-27. Review status: criteria provided, single submitter. Criteria: Invitae Variant Classification Sherloc (09022015). Collection method: clinical testing. Allele origin: germline.
Comment: This sequence change replaces threonine, which is neutral and polar, with proline, which is neutral and non-polar, at codon 1346 of the DMD protein (p.Thr1346Pro). This variant is present in population databases (no rsID available, gnomAD 0.008%). This variant has not been reported in the literature in individuals affected with DMD-related conditions. Advanced modeling of protein sequence and biophysical properties (such as structural, functional, and spatial information, amino acid conservation, physicochemical variation, residue mobility, and thermodynamic stability) performed at Invitae indicates that this missense variant is not expected to disrupt DMD protein function. In summary, the available evidence is currently insufficient to determine the role of this variant in disease. Therefore, it has been classified as a Variant of Uncertain Significance.

NM_004006.3(DMD):c.4036A>C (p.Thr1346Pro)

Gene: DMD (dystrophin; minus strand). Cytogenetic location: Xp21.1.
Variant type: single nucleotide variant.
Coding change: c.4036A>C on transcript NM_004006.3 (MANE Select); coding-DNA position 4036, A replaced by C.
Protein change: p.Thr1346Pro; replaces threonine 1346 with proline.
Molecular consequence: missense variant.
Genome position (GRCh38, 1-based): chrX:32,438,276, T>G on the plus strand (A>C on the coding strand, the complement: DMD is on the minus strand). VCF-style: chrX-32438276-T-G. GRCh37 (hg19) VCF-style: chrX-32456393-T-G.
Other names: c.4012A>C, p.Thr1338Pro (NM_000109.4); c.4024A>C, p.Thr1342Pro (NM_004009.3); c.3667A>C, p.Thr1223Pro (NM_004010.3); short protein forms T1342P, T1346P, T1223P, T1338P.
Identifiers: ClinVar variation 2170528 (VCV002170528.1), dbSNP rs1314755365, ClinGen allele CA412669275.